The following is an entry in ClinVar:

ClinVar aggregate classification (germline): Uncertain significance. Review status: criteria provided, single submitter (1 of 4 stars). 2 submissions from 2 submitters: Uncertain significance (1). 1 of the submissions does not count toward it. Last evaluated 2025-01-02.

Conditions:
VPS13C-related disorder. Also called: VPS13C-related condition.

Allele frequency attached by ClinVar (database versions not stated): ExAC 0.00003.
gnomAD v4.1: 30 of 1,593,380 alleles (0.0019%); highest among the groups gnomAD compares: African/African-American, 0.0027%; no homozygotes.

Submissions (2):

Labcorp Genetics (formerly Invitae), Labcorp
Classification: Uncertain significance. Last evaluated: 2025-01-02. Review status: criteria provided, single submitter. Criteria: Invitae Variant Classification Sherloc (09022015). Collection method: clinical testing. Allele origin: germline.
Comment: This sequence change replaces alanine, which is neutral and non-polar, with threonine, which is neutral and polar, at codon 2694 of the VPS13C protein (p.Ala2694Thr). This variant is present in population databases (rs774736465, gnomAD 0.005%). This variant has not been reported in the literature in individuals affected with VPS13C-related conditions. ClinVar contains an entry for this variant (Variation ID: 3036172). Invitae Evidence Modeling of protein sequence and biophysical properties (such as structural, functional, and spatial information, amino acid conservation, physicochemical variation, residue mobility, and thermodynamic stability) indicates that this missense variant is not expected to disrupt VPS13C protein function with a negative predictive value of 80%. In summary, the available evidence is currently insufficient to determine the role of this variant in disease. Therefore, it has been classified as a Variant of Uncertain Significance.

PreventionGenetics, part of Exact Sciences
Classification: Uncertain significance for VPS13C-related condition. Last evaluated: 2023-11-27. Review status: no assertion criteria provided. Collection method: clinical testing. Allele origin: germline. Not counted in ClinVar's aggregate classification.
Comment: The VPS13C c.8080G>A variant is predicted to result in the amino acid substitution p.Ala2694Thr. To our knowledge, this variant has not been reported in the literature. This variant is reported in 0.0045% of alleles in individuals of European (Non-Finnish) descent in gnomAD. At this time, the clinical significance of this variant is uncertain due to the absence of conclusive functional and genetic evidence.

NM_020821.3(VPS13C):c.8080G>A (p.Ala2694Thr)

Gene: VPS13C (vacuolar protein sorting 13 homolog C; minus strand). Cytogenetic location: 15q22.2.
Variant type: single nucleotide variant.
Coding change: c.8080G>A on transcript NM_020821.3 (MANE Select); coding-DNA position 8080, G replaced by A.
Protein change: p.Ala2694Thr; replaces alanine 2694 with threonine.
Molecular consequence: missense variant.
Genome position (GRCh38, 1-based): chr15:61,915,998, C>T on the plus strand (G>A on the coding strand, the complement: VPS13C is on the minus strand). VCF-style: chr15-61915998-C-T. GRCh37 (hg19) VCF-style: chr15-62208197-C-T.
Other names: c.7951G>A, p.Ala2651Thr (NM_017684.5, NM_018080.4); c.8080G>A, p.Ala2694Thr (NM_001018088.3); short protein forms A2651T, A2694T.
Identifiers: ClinVar variation 3036172 (VCV003036172.4), dbSNP rs774736465, ClinGen allele CA7595079.